The following is an entry in ClinVar:

ClinVar aggregate classification (germline): Likely pathogenic (1 of 4 stars; one submission).

Conditions:
Hyperornithinemia-hyperammonemia-homocitrullinuria syndrome (HHHS). Also called: HHH SYNDROME; Ornithine translocase deficiency. Identifiers: Orphanet 415, MedGen C0268540, MONDO:0009393, OMIM 238970.

Submission:

Juno Genomics, Hangzhou Juno Genomics, Inc
Classification: Likely pathogenic for Hyperornithinemia-hyperammonemia-homocitrullinuria syndrome. Review status: criteria provided, single submitter. Criteria: ACMG Guidelines, 2015. Collection method: clinical testing. Allele origin: germline.
Comment: Null variant in a gene where loss of function (LOF) is a known mechanism of disease.;Absent from controls (or at extremely low frequency if recessive) in Genome Aggregation Database.

NM_014252.4(SLC25A15):c.163del (p.Tyr55fs)

Gene: SLC25A15 (solute carrier family 25 member 15; plus strand). Cytogenetic location: 13q14.11.
Variant type: Deletion.
Coding change: c.163del on transcript NM_014252.4 (MANE Select); coding-DNA position 163, one base deleted (T; older notation c.163delT).
Protein change: p.Tyr55fs; shifts the reading frame from tyrosine 55.
Molecular consequence: frameshift variant. On other transcripts: non-coding transcript variant (2).
Genome position (GRCh38, 1-based): chr13:40,799,164, T deleted; the last of 2 consecutive T bases (chr13:40,799,163-40,799,164); deleting either gives the same sequence. VCF-style (leftmost placement, unchanged base first): chr13-40799162-CT-C. GRCh37 (hg19) VCF-style: chr13-41373298-CT-C.
Other names: short protein forms Y55fs.
Identifiers: ClinVar variation 5005255 (VCV005005255.2).